The following is an entry in ClinVar:

ClinVar aggregate classification (germline): Likely benign. Review status: criteria provided, single submitter (1 of 4 stars). 2 submissions from 2 submitters: Likely benign (1). 1 of the submissions does not count toward it. Last evaluated 2024-11-23.

Conditions:
VPS13B-related disorder. Also called: VPS13B-related condition.
Cohen syndrome (COH1). Also called: Cutis verticis gyrata, retinitis pigmentosa, and sensorineural deafness; PEPPER SYNDROME. Identifiers: Orphanet 193, MedGen C0265223, MONDO:0008999, OMIM 216550.

Allele frequency attached by ClinVar (database versions not stated): gnomAD exomes below 0.00001; gnomAD 0.00001; TOPMed 0.00002.
gnomAD v4.1: 9 of 1,613,694 alleles (0.00056%); highest among the groups gnomAD compares: African/African-American, 0.0013%; no homozygotes.

Submissions (2):

Labcorp Genetics (formerly Invitae), Labcorp
Classification: Likely benign for Cohen syndrome. Last evaluated: 2024-11-23. Review status: criteria provided, single submitter. Criteria: Invitae Variant Classification Sherloc (09022015). Collection method: clinical testing. Allele origin: germline.

PreventionGenetics, part of Exact Sciences
Classification: Likely benign for VPS13B-related condition. Last evaluated: 2024-04-04. Review status: no assertion criteria provided. Collection method: clinical testing. Allele origin: germline. Not counted in ClinVar's aggregate classification.
Comment: This variant is classified as likely benign based on ACMG/AMP sequence variant interpretation guidelines (Richards et al. 2015 PMID: 25741868, with internal and published modifications).

NM_152564.5(VPS13B):c.9546A>G (p.Arg3182=)

Gene: VPS13B (vacuolar protein sorting 13 homolog B; plus strand). Cytogenetic location: 8q22.2.
Variant type: single nucleotide variant.
Coding change: c.9546A>G on transcript NM_152564.5 (MANE Select); coding-DNA position 9546, A replaced by G.
Protein change: p.Arg3182=; no amino-acid change (arginine 3182 retained).
Molecular consequence: synonymous variant.
Genome position (GRCh38, 1-based): chr8:99,832,584, A>G. VCF-style: chr8-99832584-A-G. GRCh37 (hg19) VCF-style: chr8-100844812-A-G.
Other names: c.9621A>G, p.Arg3207= (NM_017890.5); c.9546A>G (NM_152564.4).
Identifiers: ClinVar variation 794906 (VCV000794906.10), dbSNP rs1434707847, ClinGen allele CA462457982.